The following is an entry in ClinVar:

NM_033380.3(COL4A5):c.3447T>C (p.Gly1149=)

Gene: COL4A5 (collagen type IV alpha 5 chain; plus strand). Cytogenetic location: Xq22.3.
Variant type: single nucleotide variant.
Coding change: c.3447T>C on transcript NM_033380.3 (MANE Select); coding-DNA position 3447, T replaced by C.
Protein change: p.Gly1149=; no amino-acid change (glycine 1149 retained).
Molecular consequence: synonymous variant.
Genome position (GRCh38, 1-based): chrX:108,665,580, T>C. VCF-style: chrX-108665580-T-C. GRCh37 (hg19) VCF-style: chrX-107908810-T-C.
Other names: c.3447T>C, p.Gly1149= (NM_000495.5); c.3447T>C (NM_000495.4).
Identifiers: ClinVar variation 2786410 (VCV002786410.4), dbSNP rs2524562734, ClinGen allele CA517922277.
Genomic context (GRCh38, chrX:108,665,580, plus strand): 5'-TCCTGGACCAAAAGGTATTAGTGGCCCTCCTGGGAACCCCGGCCTTCCAGGAGAACCTGG[T>C]CCTGTAGGTAAGCATGAAAAATAACAGTTTGCTGTTTTATAAAACTAATGTTTATCATAT-3'
Protein context (NP_203699.1, residues 1139-1159): PGNPGLPGEP[Gly1149=]PVGGGGHPGQ

ClinVar aggregate classification (germline): Likely benign. Review status: criteria provided, multiple submitters, no conflicts (2 of 4 stars). 2 submissions from 2 submitters: Likely benign (2). Last evaluated 2024-12-17.

Conditions:
COL4A5-related disorder. Also called: COL4A5-related condition.

Allele frequency attached by ClinVar (database versions not stated): gnomAD exomes below 0.00001.
gnomAD v4.1: 1 of 1,188,678 alleles (0.000084%); highest among the groups gnomAD compares: Non-Finnish European, 0.00011%; no homozygotes.

Submissions (2):

PreventionGenetics, part of Exact Sciences
Classification: Likely benign for COL4A5-related condition. Last evaluated: 2024-12-17. Review status: criteria provided, single submitter. Criteria: ACMG Guidelines, 2015. Collection method: clinical testing. Allele origin: germline.
Comment: This variant is classified as likely benign based on ACMG/AMP sequence variant interpretation guidelines (Richards et al. 2015 PMID: 25741868, with internal and published modifications).

Labcorp Genetics (formerly Invitae), Labcorp
Classification: Likely benign. Last evaluated: 2024-01-29. Review status: criteria provided, single submitter. Criteria: Invitae Variant Classification Sherloc (09022015). Collection method: clinical testing. Allele origin: germline.